The following is an entry in ClinVar:

NM_181882.3(PRX):c.2050C>T (p.Gln684Ter)

Gene: PRX (periaxin; minus strand). Cytogenetic location: 19q13.2.
Variant type: single nucleotide variant.
Coding change: c.2050C>T on transcript NM_181882.3 (MANE Select); coding-DNA position 2050, C replaced by T.
Protein change: p.Gln684Ter; replaces glutamine 684 with a stop codon.
Molecular consequence: nonsense. On other transcripts: 3 prime UTR variant (1).
Genome position (GRCh38, 1-based): chr19:40,396,302, G>A on the plus strand (C>T on the coding strand, the complement: PRX is on the minus strand). VCF-style: chr19-40396302-G-A. GRCh37 (hg19) VCF-style: chr19-40902209-G-A.
Other names: c.*2255C>T (NM_020956.2); short protein forms Q684*.
Identifiers: ClinVar variation 1423233 (VCV001423233.6), dbSNP rs1252279085, ClinGen allele CA405897111.

ClinVar aggregate classification (germline): Pathogenic (1 of 4 stars; one submission).

Conditions:
Charcot-Marie-Tooth disease type 4. Also called: Charcot-Marie-Tooth disease, type IV; Charcot-Marie-Tooth, Type 4. Identifiers: Orphanet 64749, MedGen C4082197, MONDO:0018995.

Submission:

Labcorp Genetics (formerly Invitae), Labcorp
Classification: Pathogenic for Charcot-Marie-Tooth disease type 4. Last evaluated: 2021-11-03. Review status: criteria provided, single submitter. Criteria: Invitae Variant Classification Sherloc (09022015). Collection method: clinical testing. Allele origin: germline.
Comment: This variant is not present in population databases (gnomAD no frequency). This sequence change creates a premature translational stop signal (p.Gln684*) in the PRX gene. While this is not anticipated to result in nonsense mediated decay, it is expected to disrupt the last 778 amino acid(s) of the PRX protein. This variant has not been reported in the literature in individuals affected with PRX-related conditions. This variant disrupts a region of the PRX protein in which other variant(s) (p.Gln1168*) have been determined to be pathogenic (Invitae). This suggests that this is a clinically significant region of the protein, and that variants that disrupt it are likely to be disease-causing. For these reasons, this variant has been classified as Pathogenic.